The following is an entry in ClinVar:

NM_001844.5(COL2A1):c.3111+1G>T

Gene: COL2A1 (collagen type II alpha 1 chain; minus strand). Cytogenetic location: 12q13.11.
Variant type: single nucleotide variant.
Coding change: c.3111+1G>T on transcript NM_001844.5 (MANE Select); the canonical splice donor site of the intron after coding-DNA position 3111, G replaced by T.
Molecular consequence: splice donor variant.
Genome position (GRCh38, 1-based): chr12:47,978,009, C>A on the plus strand (G>T on the coding strand, the complement: COL2A1 is on the minus strand). VCF-style: chr12-47978009-C-A. GRCh37 (hg19) VCF-style: chr12-48371792-C-A.
Other names: c.2904+1G>T (NM_033150.3).
Identifiers: ClinVar variation 2137328 (VCV002137328.5), dbSNP rs2540110308, ClinGen allele CA384540609.
Genomic context (GRCh38, chr12:47,978,009, plus strand): 5'-ACAGAGACTCACAGGGCCCCTCTCCCCAATCAGGGCCACCCCAGGGGGTCTCACTGCTCA[C>A]CTCTCGTCCAGGTTCACCTGCAGGACCCGTCAGGCCAGGAGGACCCACGGGGCCAGGAGG-3'

ClinVar aggregate classification (germline): Pathogenic/Likely pathogenic. Review status: criteria provided, multiple submitters, no conflicts (2 of 4 stars). 2 submissions from 2 submitters: Pathogenic (1); Likely pathogenic (1). Last evaluated 2023-06-14.

Conditions:
COL2A1-related disorder. Also called: COL2A1-related condition; COL2A1-related disorders.

Submissions (2):

Blueprint Genetics
Classification: Pathogenic for COL2A1-related disorders. Last evaluated: 2023-06-14. Review status: criteria provided, single submitter. Criteria: ACMG Guidelines, 2015. Collection method: clinical testing. Allele origin: germline. Affected: yes. Observed: 1 variant allele.

Labcorp Genetics (formerly Invitae), Labcorp
Classification: Likely pathogenic. Last evaluated: 2022-04-30. Review status: criteria provided, single submitter. Criteria: Invitae Variant Classification Sherloc (09022015). Collection method: clinical testing. Allele origin: germline.
Comment: In summary, the currently available evidence indicates that the variant is pathogenic, but additional data are needed to prove that conclusively. Therefore, this variant has been classified as Likely Pathogenic. Algorithms developed to predict the effect of sequence changes on RNA splicing suggest that this variant may disrupt the consensus splice site. Disruption of this splice site has been observed in individual(s) with Stickler syndrome (PMID: 20179744, 29453956). This variant is not present in population databases (gnomAD no frequency). This sequence change affects a donor splice site in intron 44 of the COL2A1 gene. It is expected to disrupt RNA splicing. Variants that disrupt the donor or acceptor splice site typically lead to a loss of protein function (PMID: 16199547), and loss-of-function variants in COL2A1 are known to be pathogenic (PMID: 20179744).

Literature cited by the submitters: PubMed 20179744 (cited by Labcorp Genetics (formerly Invitae), Labcorp); PubMed 29453956 (cited by Labcorp Genetics (formerly Invitae), Labcorp); PubMed 16199547 (cited by Labcorp Genetics (formerly Invitae), Labcorp).